The following is an entry in ClinVar:

ClinVar aggregate classification (germline): Pathogenic (0 of 4 stars; one submission).

Conditions:
TTC21B-related disorder. Also called: TTC21B-related disorders; TTC21B-related condition.

Submission:

PreventionGenetics, part of Exact Sciences
Classification: Pathogenic for TTC21B-related condition. Last evaluated: 2024-08-01. Review status: no assertion criteria provided. Collection method: clinical testing. Allele origin: germline.
Comment: The TTC21B c.1023dupA variant is predicted to result in a frameshift and premature protein termination (p.Glu342Argfs*7). To our knowledge, this variant has not been reported in the literature or in a large population database, indicating this variant is rare. Frameshift variants in TTC21B are expected to be pathogenic. This variant is interpreted as pathogenic.

NM_024753.5(TTC21B):c.1023dup (p.Glu342fs)

Gene: TTC21B (tetratricopeptide repeat domain 21B; minus strand). Cytogenetic location: 2q24.3.
Variant type: Duplication.
Coding change: c.1023dup on transcript NM_024753.5 (MANE Select); coding-DNA position 1023, one base duplicated (A; older notation c.1023dupA).
Protein change: p.Glu342fs; shifts the reading frame from glutamic acid 342.
Molecular consequence: frameshift variant.
Genome position (GRCh38, 1-based): chr2:165,930,236, T duplicated on the plus strand (A on the coding strand, the reverse complement: TTC21B is on the minus strand); the first of 3 consecutive T bases (chr2:165,930,236-165,930,238); duplicating any one gives the same sequence. VCF-style (leftmost placement, unchanged base first): chr2-165930235-C-CT. GRCh37 (hg19) VCF-style: chr2-166786745-C-CT.
Other names: short protein forms E342fs.
Identifiers: ClinVar variation 3358367 (VCV003358367.1).
Genomic context (GRCh38, chr2:165,930,235, plus strand): 5'-CTAGGGCAGACACACTAGTCTCATCAAGTGTCATGGCGGTCTTATACCACTTCAGTGCCT[C>CT]TTTAACTCTTCCTTGTAAAATCATTTGGTATCCAAGTTCTGTAGCAAATTCTGATTGCTG-3'